The following is an entry in ClinVar:

NM_004006.3(DMD):c.1386C>G (p.Asp462Glu)

Gene: DMD (dystrophin; minus strand). Cytogenetic location: Xp21.1.
Variant type: single nucleotide variant.
Coding change: c.1386C>G on transcript NM_004006.3 (MANE Select); coding-DNA position 1386, C replaced by G.
Protein change: p.Asp462Glu; replaces aspartic acid 462 with glutamic acid.
Molecular consequence: missense variant.
Genome position (GRCh38, 1-based): chrX:32,614,399, G>C on the plus strand (C>G on the coding strand, the complement: DMD is on the minus strand). VCF-style: chrX-32614399-G-C. GRCh37 (hg19) VCF-style: chrX-32632516-G-C.
Other names: c.1362C>G, p.Asp454Glu (NM_000109.4); c.1374C>G, p.Asp458Glu (NM_004009.3); c.1017C>G, p.Asp339Glu (NM_004010.3); short protein forms D339E, D458E, D454E, D462E.
Identifiers: ClinVar variation 2917957 (VCV002917957.3), dbSNP rs2057403415, ClinGen allele CA412670146.

ClinVar aggregate classification (germline): Uncertain significance (1 of 4 stars; one submission).

Conditions:
Duchenne muscular dystrophy (DMD). Also called: MUSCULAR DYSTROPHY, PSEUDOHYPERTROPHIC PROGRESSIVE, DUCHENNE TYPE; Duchenne Muscular Dystrophy (DMD). Identifiers: Orphanet 98896, MedGen C0013264, MONDO:0010679, OMIM 310200.

Allele frequency attached by ClinVar (database versions not stated): gnomAD 0.00001; TOPMed 0.00001.
gnomAD v4.1: 1 of 1,204,447 alleles (0.000083%); highest among the groups gnomAD compares: Non-Finnish European, 0.00011%; no homozygotes.

Submission:

Labcorp Genetics (formerly Invitae), Labcorp
Classification: Uncertain significance for Duchenne muscular dystrophy. Last evaluated: 2024-08-13. Review status: criteria provided, single submitter. Criteria: Invitae Variant Classification Sherloc (09022015). Collection method: clinical testing. Allele origin: germline.
Comment: This sequence change replaces aspartic acid, which is acidic and polar, with glutamic acid, which is acidic and polar, at codon 462 of the DMD protein (p.Asp462Glu). This variant is not present in population databases (gnomAD no frequency). This variant has not been reported in the literature in individuals affected with DMD-related conditions. Invitae Evidence Modeling of protein sequence and biophysical properties (such as structural, functional, and spatial information, amino acid conservation, physicochemical variation, residue mobility, and thermodynamic stability) indicates that this missense variant is not expected to disrupt DMD protein function with a negative predictive value of 95%. In summary, the available evidence is currently insufficient to determine the role of this variant in disease. Therefore, it has been classified as a Variant of Uncertain Significance.